The following is an entry in ClinVar:

ClinVar aggregate classification (germline): Benign (1 of 4 stars; one submission).

Allele frequency attached by ClinVar (database versions not stated): gnomAD exomes 0.00017; gnomAD 0.00072; ESP Exome Variant Server 0.00458; 1000 Genomes Project 0.00636.
gnomAD v4.1: 184 of 787,751 alleles (0.023%); highest among the groups gnomAD compares: African/African-American, 0.34%; 8 homozygotes.

Submission:

CeGaT Center for Human Genetics Tuebingen
Classification: Benign. Last evaluated: 2022-10-01. Review status: criteria provided, single submitter. Criteria: CeGaT Center For Human Genetics Tuebingen Variant Classification Criteria Version 2. Collection method: clinical testing. Allele origin: germline. Affected: yes. Observed: 2 variant alleles.
Comment: MAGEC1: BP4, BS1, BS2

NM_005462.5(MAGEC1):c.718T>G (p.Ser240Ala)

Gene: MAGEC1 (MAGE family member C1; plus strand). Cytogenetic location: Xq27.2.
Variant type: single nucleotide variant.
Coding change: c.718T>G on transcript NM_005462.5 (MANE Select); coding-DNA position 718, T replaced by G.
Protein change: p.Ser240Ala; replaces serine 240 with alanine.
Molecular consequence: missense variant.
Genome position (GRCh38, 1-based): chrX:141,906,122, T>G. VCF-style: chrX-141906122-T-G. GRCh37 (hg19) VCF-style: chrX-140993908-T-G.
Other names: short protein forms S240A.
Identifiers: ClinVar variation 2661558 (VCV002661558.24), dbSNP rs140572967, ClinGen allele CA10533289.